The following is an entry in ClinVar:

ClinVar aggregate classification (germline): Uncertain significance (1 of 4 stars; one submission).

Conditions:
Cardiovascular phenotype. Identifiers: MedGen CN230736.

Submission:

Ambry Genetics
Classification: Uncertain significance for Cardiovascular phenotype. Last evaluated: 2020-10-30. Review status: criteria provided, single submitter. Criteria: Ambry Variant Classification Scheme 2023. Collection method: clinical testing. Allele origin: germline.
Comment: The p.A46S variant (also known as c.136G>T), located in coding exon 1 of the VCL gene, results from a G to T substitution at nucleotide position 136. The alanine at codon 46 is replaced by serine, an amino acid with similar properties. This amino acid position is highly conserved in available vertebrate species. In addition, this alteration is predicted to be tolerated by in silico analysis. Since supporting evidence is limited at this time, the clinical significance of this alteration remains unclear.

NM_014000.3(VCL):c.136G>T (p.Ala46Ser)

Genes: VCL (vinculin; plus strand), LOC130004109 (ATAC-STARR-seq lymphoblastoid active region 3587; plus strand). Cytogenetic location: 10q22.2.
Variant type: single nucleotide variant.
Coding change: c.136G>T on transcript NM_014000.3 (MANE Select); coding-DNA position 136, G replaced by T.
Protein change: p.Ala46Ser; replaces alanine 46 with serine.
Molecular consequence: missense variant.
Genome position (GRCh38, 1-based): chr10:73,998,343, G>T. VCF-style: chr10-73998343-G-T. GRCh37 (hg19) VCF-style: chr10-75758101-G-T.
Other names: c.136G>T, p.Ala46Ser (NM_003373.4); short protein forms A46S.
Identifiers: ClinVar variation 1771019 (VCV001771019.2), dbSNP rs992545879, ClinGen allele CA377255384.
Genomic context (GRCh38, chr10:73,998,343, plus strand): 5'-ATGCACGAGGAGGGCGAGGTGGACGGCAAAGCCATTCCTGACCTCACCGCGCCCGTGGCC[G>T]CCGTGCAGGCGGCCGTCAGCAACCTCGTCCGGGTGAGCGCGCAGGGCCTGGCGCGGGAGC-3'
Protein context (NP_054706.1, residues 36-56): AIPDLTAPVA[Ala46Ser]VQAAVSNLVR